The following is an entry in ClinVar:

NM_003396.3(WNT9B):c.665G>A (p.Arg222His)

Genes: LRRC37A2 (leucine rich repeat containing 37 member A2), WNT9B (Wnt family member 9B; plus strand). Cytogenetic location: 17q21.32.
Variant type: single nucleotide variant.
Coding change: c.665G>A on transcript NM_003396.3 (MANE Select); coding-DNA position 665, G replaced by A.
Protein change: p.Arg222His; replaces arginine 222 with histidine.
Molecular consequence: missense variant.
Genome position (GRCh38, 1-based): chr17:46,876,309, G>A. VCF-style: chr17-46876309-G-A. GRCh37 (hg19) VCF-style: chr17-44953675-G-A.
Other names: c.665G>A, p.Arg222His (NM_001320458.2); c.665G>A (NM_003396.2); short protein forms R222H.
Identifiers: ClinVar variation 1382363 (VCV001382363.8), dbSNP rs138314634, ClinGen allele CA8620978.

ClinVar aggregate classification (germline): Uncertain significance. Review status: criteria provided, multiple submitters, no conflicts (2 of 4 stars). 3 submissions from 3 submitters: Uncertain significance (2). 1 of the submissions does not count toward it. Last evaluated 2025-10-13.

Conditions:
WNT9B-related disorder. Also called: WNT9B-related condition.

Allele frequency attached by ClinVar (database versions not stated): 1000 Genomes Project 0.00040; 1000 Genomes Project 30x 0.00047; ESP Exome Variant Server 0.00108; gnomAD 0.00125.
gnomAD v4.1: 1,799 of 1,614,176 alleles (0.11%); highest among the groups gnomAD compares: South Asian, 0.14%; 7 homozygotes.

Submissions (3):

Labcorp Genetics (formerly Invitae), Labcorp
Classification: Uncertain significance. Last evaluated: 2025-10-13. Review status: criteria provided, single submitter. Criteria: Invitae Variant Classification Sherloc (09022015). Collection method: clinical testing. Allele origin: germline.
Comment: This sequence change replaces arginine, which is basic and polar, with histidine, which is basic and polar, at codon 222 of the WNT9B protein (p.Arg222His). This variant is present in population databases (rs138314634, gnomAD 0.2%), and has an allele count higher than expected for a pathogenic variant. This missense change has been observed in individual(s) with Mayer–Rokitansky–Küster–Hauser syndrome (PMID: 26610373). ClinVar contains an entry for this variant (Variation ID: 1382363). An algorithm developed to predict the effect of missense changes on protein structure and function (PolyPhen-2) suggests that this variant is likely to be disruptive. In summary, the available evidence is currently insufficient to determine the role of this variant in disease. Therefore, it has been classified as a Variant of Uncertain Significance.

Breakthrough Genomics
Classification: Uncertain significance. Review status: criteria provided, single submitter. Criteria: ACMG Guidelines, 2015. Collection method: not provided. Allele origin: germline. Inheritance: Unknown mechanism. Affected: yes.

PreventionGenetics, part of Exact Sciences
Classification: Uncertain significance for WNT9B-related condition. Last evaluated: 2024-09-04. Review status: no assertion criteria provided. Collection method: clinical testing. Allele origin: germline. Not counted in ClinVar's aggregate classification.
Comment: The WNT9B c.665G>A variant is predicted to result in the amino acid substitution p.Arg222His. To our knowledge, this variant has not been reported in the literature. This variant is reported in 0.16% of alleles in individuals of European (Non-Finnish) descent in gnomAD. At this time, the clinical significance of this variant is uncertain due to the absence of conclusive functional and genetic evidence.

Literature cited by the submitters: PubMed 26610373 (cited by Labcorp Genetics (formerly Invitae), Labcorp).